The following is an entry in ClinVar:

NM_007194.4(CHEK2):c.1283del (p.Ser428fs)

Gene: CHEK2 (checkpoint kinase 2; minus strand). Cytogenetic location: 22q12.1.
Variant type: Deletion.
Coding change: c.1283del on transcript NM_007194.4 (MANE Select); coding-DNA position 1283, one base deleted (C; older notation c.1283delC).
Protein change: p.Ser428fs; shifts the reading frame from serine 428.
Molecular consequence: frameshift variant.
Genome position (GRCh38, 1-based): chr22:28,695,219, G deleted on the plus strand (C on the coding strand, the reverse complement: CHEK2 is on the minus strand). VCF-style (leftmost placement, unchanged base first): chr22-28695218-AG-A. GRCh37 (hg19) VCF-style: chr22-29091206-AG-A.
Other names: c.1412del, p.Ser471fs (NM_001005735.3); c.620del, p.Ser207fs (NM_001257387.3, NM_001437942.1); c.1082del, p.Ser361fs (NM_001349956.3); c.1376del, p.Ser459fs (NM_001438293.1); c.1325del, p.Ser442fs (NM_001438294.1); c.1289del, p.Ser430fs (NM_001438295.1); c.1196del, p.Ser399fs (NM_145862.3); short protein forms S459fs, S207fs, S471fs, S361fs, S399fs, S428fs, S430fs, S442fs.
Identifiers: ClinVar variation 4723819 (VCV004723819.1).

ClinVar aggregate classification (germline): Pathogenic (1 of 4 stars; one submission).

Conditions:
Familial cancer of breast. Also called: hereditary breast carcinoma; BREAST CANCER, FAMILIAL; Hereditary breast cancer. Identifiers: Orphanet 227535, MedGen C0346153, MONDO:0016419, OMIM 114480. Disease mechanism: loss of function.

Submission:

Labcorp Genetics (formerly Invitae), Labcorp
Classification: Pathogenic for Familial cancer of breast. Last evaluated: 2025-07-23. Review status: criteria provided, single submitter. Criteria: Invitae Variant Classification Sherloc (09022015). Collection method: clinical testing. Allele origin: germline.
Comment: This sequence change creates a premature translational stop signal (p.Ser428Leufs*9) in the CHEK2 gene. It is expected to result in an absent or disrupted protein product. Loss-of-function variants in CHEK2 are known to be pathogenic (PMID: 21876083, 24713400). This variant is not present in population databases (gnomAD no frequency). This variant has not been reported in the literature in individuals affected with CHEK2-related conditions. For these reasons, this variant has been classified as Pathogenic.

Literature cited by the submitters: PubMed 21876083; PubMed 24713400.